The following is an entry in ClinVar:

NM_015135.3(NUP205):c.646G>C (p.Glu216Gln)

Gene: NUP205 (nucleoporin 205; plus strand). Cytogenetic location: 7q33.
Variant type: single nucleotide variant.
Coding change: c.646G>C on transcript NM_015135.3 (MANE Select); coding-DNA position 646, G replaced by C.
Protein change: p.Glu216Gln; replaces glutamic acid 216 with glutamine.
Molecular consequence: missense variant. On other transcripts: 5 prime UTR variant (1).
Genome position (GRCh38, 1-based): chr7:135,577,126, G>C. VCF-style: chr7-135577126-G-C. GRCh37 (hg19) VCF-style: chr7-135261874-G-C.
Other names: c.-440G>C (NM_001329434.2); short protein forms E216Q.
Identifiers: ClinVar variation 1372533 (VCV001372533.4), dbSNP rs61756075, ClinGen allele CA4497902.

ClinVar aggregate classification (germline): Uncertain significance (1 of 4 stars; one submission).

Allele frequency attached by ClinVar (database versions not stated): 1000 Genomes Project 30x 0.00016; 1000 Genomes Project 0.00020; TOPMed 0.00051; gnomAD exomes 0.00055 and 0.00083; ExAC 0.00057; gnomAD 0.00058 and 0.00061; ESP Exome Variant Server 0.00062.
gnomAD v4.1: 1,288 of 1,610,110 alleles (0.08%); highest among the groups gnomAD compares: Non-Finnish European, 0.097%; 1 homozygote.

Submission:

Labcorp Genetics (formerly Invitae), Labcorp
Classification: Uncertain significance. Last evaluated: 2024-12-04. Review status: criteria provided, single submitter. Criteria: Invitae Variant Classification Sherloc (09022015). Collection method: clinical testing. Allele origin: germline.
Comment: This sequence change replaces glutamic acid, which is acidic and polar, with glutamine, which is neutral and polar, at codon 216 of the NUP205 protein (p.Glu216Gln). This variant is present in population databases (rs61756075, gnomAD 0.1%), and has an allele count higher than expected for a pathogenic variant. This variant has not been reported in the literature in individuals affected with NUP205-related conditions. ClinVar contains an entry for this variant (Variation ID: 1372533). An algorithm developed to predict the effect of missense changes on protein structure and function (PolyPhen-2) suggests that this variant¬†is likely to be tolerated. In summary, the available evidence is currently insufficient to determine the role of this variant in disease. Therefore, it has been classified as a Variant of Uncertain Significance.